The following is an entry in ClinVar:

NM_000245.4(MET):c.4009A>T (p.Ile1337Leu)

Gene: MET (MET proto-oncogene, receptor tyrosine kinase; plus strand). Cytogenetic location: 7q31.2.
Variant type: single nucleotide variant.
Coding change: c.4009A>T on transcript NM_000245.4 (MANE Select); coding-DNA position 4009, A replaced by T.
Protein change: p.Ile1337Leu; replaces isoleucine 1337 with leucine.
Molecular consequence: missense variant.
Genome position (GRCh38, 1-based): chr7:116,795,960, A>T. VCF-style: chr7-116795960-A-T. GRCh37 (hg19) VCF-style: chr7-116436014-A-T.
Other names: c.4063A>T, p.Ile1355Leu (NM_001127500.3); c.2719A>T, p.Ile907Leu (NM_001324402.2); short protein forms I907L, I1337L, I1355L.
Identifiers: ClinVar variation 1942441 (VCV001942441.6), dbSNP rs771436236, ClinGen allele CA369118202.

ClinVar aggregate classification (germline): Uncertain significance. Review status: criteria provided, multiple submitters, no conflicts (2 of 4 stars). 2 submissions from 2 submitters: Uncertain significance (2). Last evaluated 2025-10-29.

Conditions:
Renal cell carcinoma. Identifiers: Orphanet 217071, MedGen C0007134, MeSH D002292, MONDO:0005086, HP:0005584.
Hereditary cancer-predisposing syndrome. Also called: Tumor predisposition; Hereditary neoplastic syndrome; Neoplastic Syndromes, Hereditary; Hereditary Cancer Syndrome. Identifiers: Orphanet 140162, MedGen C0027672, MeSH D009386, MONDO:0015356.

Allele frequency attached by ClinVar (database versions not stated): TOPMed below 0.00001.

Submissions (2):

Ambry Genetics
Classification: Uncertain significance for Hereditary cancer-predisposing syndrome. Last evaluated: 2025-10-29. Review status: criteria provided, single submitter. Criteria: Ambry Variant Classification Scheme 2023. Collection method: clinical testing. Allele origin: germline.
Comment: The p.I1355L variant (also known as c.4063A>T), located in coding exon 20 of the MET gene, results from an A to T substitution at nucleotide position 4063. The isoleucine at codon 1355 is replaced by leucine, an amino acid with highly similar properties. This amino acid position is highly conserved in available vertebrate species. In addition, this alteration is predicted to be tolerated by in silico analysis. Based on the available evidence, the clinical significance of this variant remains unclear.

Labcorp Genetics (formerly Invitae), Labcorp
Classification: Uncertain significance for Renal cell carcinoma. Last evaluated: 2023-07-07. Review status: criteria provided, single submitter. Criteria: Invitae Variant Classification Sherloc (09022015). Collection method: clinical testing. Allele origin: germline.
Comment: ClinVar contains an entry for this variant (Variation ID: 1942441). In summary, the available evidence is currently insufficient to determine the role of this variant in disease. Therefore, it has been classified as a Variant of Uncertain Significance. Advanced modeling of protein sequence and biophysical properties (such as structural, functional, and spatial information, amino acid conservation, physicochemical variation, residue mobility, and thermodynamic stability) performed at Invitae indicates that this missense variant is not expected to disrupt MET protein function. This variant has not been reported in the literature in individuals affected with MET-related conditions. This variant is not present in population databases (gnomAD no frequency). This sequence change replaces isoleucine, which is neutral and non-polar, with leucine, which is neutral and non-polar, at codon 1355 of the MET protein (p.Ile1355Leu).